The following is an entry in ClinVar:

ClinVar aggregate classification (germline): Uncertain significance (1 of 4 stars; one submission).

Conditions:
Methylmalonic acidemia with homocystinuria, type cblJ (MAHCJ). Also called: METHYLMALONIC ACIDURIA AND HOMOCYSTINURIA, cblJ TYPE. Identifiers: Orphanet 369955, MedGen C3553915, MONDO:0013925, OMIM 614857.

Allele frequency attached by ClinVar (database versions not stated): TOPMed below 0.00001; gnomAD 0.00001; gnomAD exomes 0.00002; ExAC 0.00003.
gnomAD v4.1: 31 of 1,614,072 alleles (0.0019%); highest among the groups gnomAD compares: Non-Finnish European, 0.0024%; no homozygotes.

Submission:

Labcorp Genetics (formerly Invitae), Labcorp
Classification: Uncertain significance for Methylmalonic acidemia with homocystinuria, type cblJ. Last evaluated: 2022-08-05. Review status: criteria provided, single submitter. Criteria: Invitae Variant Classification Sherloc (09022015). Collection method: clinical testing. Allele origin: germline.
Comment: This sequence change replaces valine, which is neutral and non-polar, with methionine, which is neutral and non-polar, at codon 445 of the ABCD4 protein (p.Val445Met). This variant is present in population databases (rs752485114, gnomAD 0.004%). This variant has not been reported in the literature in individuals affected with ABCD4-related conditions. Algorithms developed to predict the effect of missense changes on protein structure and function output the following: SIFT: "Tolerated"; PolyPhen-2: "Benign"; Align-GVGD: "Class C0". The methionine amino acid residue is found in multiple mammalian species, which suggests that this missense change does not adversely affect protein function. In summary, the available evidence is currently insufficient to determine the role of this variant in disease. Therefore, it has been classified as a Variant of Uncertain Significance.

NM_005050.4(ABCD4):c.1333G>A (p.Val445Met)

Gene: ABCD4 (ATP binding cassette subfamily D member 4; minus strand). Cytogenetic location: 14q24.3.
Variant type: single nucleotide variant.
Coding change: c.1333G>A on transcript NM_005050.4 (MANE Select); coding-DNA position 1333, G replaced by A.
Protein change: p.Val445Met; replaces valine 445 with methionine.
Molecular consequence: missense variant. On other transcripts: non-coding transcript variant (1).
Genome position (GRCh38, 1-based): chr14:74,290,113, C>T on the plus strand (G>A on the coding strand, the complement: ABCD4 is on the minus strand). VCF-style: chr14-74290113-C-T. GRCh37 (hg19) VCF-style: chr14-74756816-C-T.
Other names: c.1207G>A, p.Val403Met (NM_001353591.2, NM_001353592.2); c.1072G>A, p.Val358Met (NM_001353593.2); c.1021G>A, p.Val341Met (NM_001353594.2); c.919G>A, p.Val307Met (NM_001353595.2, NM_001353596.2); c.868G>A, p.Val290Met (NM_001353597.2); c.856G>A, p.Val286Met (NM_001353598.2, NM_001353599.2, NM_001353600.2 and 2 more transcripts); c.544G>A, p.Val182Met (NM_001353602.2, NM_001353603.2, NM_001353604.2 and 6 more transcripts); c.1204G>A, p.Val402Met (NM_020323.1); and 1 more; short protein forms V358M, V402M, V445M, V286M, V290M, V307M, V341M, V403M.
Identifiers: ClinVar variation 2182647 (VCV002182647.4), dbSNP rs752485114, ClinGen allele CA7266839.